The following is an entry in ClinVar:

ClinVar aggregate classification (germline): Uncertain significance (1 of 4 stars; one submission).

Allele frequency attached by ClinVar (database versions not stated): gnomAD exomes below 0.00001; ExAC 0.00001.

Submission:

Labcorp Genetics (formerly Invitae), Labcorp
Classification: Uncertain significance. Last evaluated: 2021-08-03. Review status: criteria provided, single submitter. Criteria: Invitae Variant Classification Sherloc (09022015). Collection method: clinical testing. Allele origin: germline.
Comment: This variant has not been reported in the literature in individuals affected with PLOD3-related conditions. Algorithms developed to predict the effect of missense changes on protein structure and function (SIFT, PolyPhen-2, Align-GVGD) all suggest that this variant is likely to be tolerated. In summary, the available evidence is currently insufficient to determine the role of this variant in disease. Therefore, it has been classified as a Variant of Uncertain Significance. This variant is present in population databases (rs762468045, ExAC 0.002%). This sequence change replaces glutamine with histidine at codon 622 of the PLOD3 protein (p.Gln622His). The glutamine residue is moderately conserved and there is a small physicochemical difference between glutamine and histidine.

NM_001084.5(PLOD3):c.1866G>C (p.Gln622His)

Gene: PLOD3 (procollagen-lysine,2-oxoglutarate 5-dioxygenase 3; minus strand). Cytogenetic location: 7q22.1.
Variant type: single nucleotide variant.
Coding change: c.1866G>C on transcript NM_001084.5 (MANE Select); coding-DNA position 1866, G replaced by C.
Protein change: p.Gln622His; replaces glutamine 622 with histidine.
Molecular consequence: missense variant.
Genome position (GRCh38, 1-based): chr7:101,207,647, C>G on the plus strand (G>C on the coding strand, the complement: PLOD3 is on the minus strand). VCF-style: chr7-101207647-C-G. GRCh37 (hg19) VCF-style: chr7-100850928-C-G.
Other names: short protein forms Q622H.
Identifiers: ClinVar variation 1468278 (VCV001468278.6), dbSNP rs762468045, ClinGen allele CA4407493.